The following is an entry in ClinVar:

ClinVar aggregate classification (germline): Pathogenic (1 of 4 stars; one submission).

Allele frequency attached by ClinVar (database versions not stated): TOPMed below 0.00001; gnomAD 0.00001.

Submission:

Labcorp Genetics (formerly Invitae), Labcorp
Classification: Pathogenic. Last evaluated: 2022-12-12. Review status: criteria provided, single submitter. Criteria: Invitae Variant Classification Sherloc (09022015). Collection method: clinical testing. Allele origin: germline.
Comment: This variant is not present in population databases (gnomAD no frequency). This sequence change creates a premature translational stop signal (p.Arg182Alafs*11) in the MRPS22 gene. It is expected to result in an absent or disrupted protein product. Loss-of-function variants in MRPS22 are known to be pathogenic (PMID: 28425981, 29096039). This variant has not been reported in the literature in individuals affected with MRPS22-related conditions. For these reasons, this variant has been classified as Pathogenic.

Literature cited by the submitters: PubMed 28425981; PubMed 29096039.

NM_020191.4(MRPS22):c.544del (p.Arg182fs)

Gene: MRPS22 (mitochondrial ribosomal protein S22; plus strand). Cytogenetic location: 3q23.
Variant type: Deletion.
Coding change: c.544del on transcript NM_020191.4 (MANE Select); coding-DNA position 544, one base deleted (C; older notation c.544delC).
Protein change: p.Arg182fs; shifts the reading frame from arginine 182.
Molecular consequence: frameshift variant.
Genome position (GRCh38, 1-based): chr3:139,350,218, C deleted. VCF-style (leftmost placement, unchanged base first): chr3-139350217-AC-A. GRCh37 (hg19) VCF-style: chr3-139069059-AC-A.
Other names: c.421del, p.Arg141fs (NM_001363857.1); c.541del, p.Arg181fs (NM_001363893.1); short protein forms R181fs, R141fs, R182fs.
Identifiers: ClinVar variation 2820420 (VCV002820420.3), dbSNP rs1486883902, ClinGen allele CA899647667.
Genomic context (GRCh38, chr3:139,350,217, plus strand): 5'-TGATTATGTTTTTCTATTTTAGGAGCGTTTTATTGTCGTCAGAGAACCAAGTGGCACACT[AC>A]GCAAAGCCTCTTGGGAAGAACGGGACCGAATGATACAAGTTTATTTCCCAAAAGAAGGTC-3'